The following is an entry in ClinVar:

NM_080916.3(DGUOK):c.664C>T (p.Leu222=)

Gene: DGUOK (deoxyguanosine kinase; plus strand). Cytogenetic location: 2p13.1.
Variant type: single nucleotide variant.
Coding change: c.664C>T on transcript NM_080916.3 (MANE Select); coding-DNA position 664, C replaced by T.
Protein change: p.Leu222=; no amino-acid change (leucine 222 retained).
Molecular consequence: synonymous variant. On other transcripts: non-coding transcript variant (1), intron variant (2).
Genome position (GRCh38, 1-based): chr2:73,957,197, C>T. VCF-style: chr2-73957197-C-T. GRCh37 (hg19) VCF-style: chr2-74184324-C-T.
Other names: c.373C>T, p.Leu125= (NM_001318860.2, NM_001318861.2); c.355C>T, p.Leu119= (NM_001318862.2, NM_001318863.2); c.444-949C>T (NM_080918.3); c.426-949C>T (NM_001318859.2).
Identifiers: ClinVar variation 337049 (VCV000337049.52), dbSNP rs375686551, ClinGen allele CA1718318.

ClinVar aggregate classification (germline): Conflicting classifications of pathogenicity. Review status: criteria provided, conflicting classifications (1 of 4 stars). 6 submissions from 6 submitters: Uncertain significance (3); Likely benign (2). 1 of the submissions does not count toward it. Last evaluated 2026-01-21.

Conditions:
Mitochondrial DNA depletion syndrome 3 (hepatocerebral type). Also called: Deoxyguanosine Kinase Deficiency; Mitochondrial DNA depletion syndrome, hepatocerebral form due to DGUOK deficiency; MITOCHONDRIAL DNA DEPLETION SYNDROME 3. Identifiers: Orphanet 279934, MedGen CN074093, MONDO:0009636, OMIM 251880.
DGUOK-related disorder. Also called: DGUOK-related condition.

Allele frequency attached by ClinVar (database versions not stated): ExAC 0.00020; gnomAD 0.00020 and 0.00023; gnomAD exomes 0.00022; ESP Exome Variant Server 0.00031; TOPMed 0.00035.
gnomAD v4.1: 648 of 1,614,044 alleles (0.04%); highest among the groups gnomAD compares: Non-Finnish European, 0.051%; 1 homozygote.

Submissions (6):

Labcorp Genetics (formerly Invitae), Labcorp
Classification: Likely benign. Last evaluated: 2026-01-21. Review status: criteria provided, single submitter. Criteria: Invitae Variant Classification Sherloc (09022015). Collection method: clinical testing. Allele origin: germline.

Blueprint Genetics
Classification: Likely benign. Last evaluated: 2024-04-21. Review status: criteria provided, single submitter. Criteria: ACMG Guidelines, 2015. Collection method: clinical testing. Allele origin: germline.

CeGaT Center for Human Genetics Tuebingen
Classification: Uncertain significance. Last evaluated: 2022-02-01. Review status: criteria provided, single submitter. Criteria: CeGaT Center For Human Genetics Tuebingen Variant Classification Criteria Version 2. Collection method: clinical testing. Allele origin: germline. Affected: yes. Observed: 1 variant allele.

Eurofins Ntd Llc (ga)
Classification: Uncertain significance. Last evaluated: 2018-09-13. Review status: criteria provided, single submitter. Criteria: EGL ClinVar v180209 classification definitions. Collection method: clinical testing. Allele origin: germline. Observed: 3 variant alleles, 3 heterozygotes.

Illumina Laboratory Services, Illumina
Classification: Uncertain significance for Mitochondrial DNA depletion syndrome 3 (hepatocerebral type). Last evaluated: 2018-01-12. Review status: criteria provided, single submitter. Criteria: ICSL Variant Classification Criteria 13 December 2019. Collection method: clinical testing. Allele origin: germline.

PreventionGenetics, part of Exact Sciences
Classification: Likely benign for DGUOK-related condition. Last evaluated: 2019-02-21. Review status: no assertion criteria provided. Collection method: clinical testing. Allele origin: germline. Not counted in ClinVar's aggregate classification.
Comment: This variant is classified as likely benign based on ACMG/AMP sequence variant interpretation guidelines (Richards et al. 2015 PMID: 25741868, with internal and published modifications).